The following is an entry in ClinVar:

ClinVar aggregate classification (germline): Uncertain significance (1 of 4 stars; one submission).

Submission:

Labcorp Genetics (formerly Invitae), Labcorp
Classification: Uncertain significance. Last evaluated: 2024-10-21. Review status: criteria provided, single submitter. Criteria: Invitae Variant Classification Sherloc (09022015). Collection method: clinical testing. Allele origin: germline.
Comment: This sequence change falls in intron 20 of the DNA2 gene. It does not directly change the encoded amino acid sequence of the DNA2 protein. It affects a nucleotide within the consensus splice site. This variant is not present in population databases (gnomAD no frequency). This variant has not been reported in the literature in individuals affected with DNA2-related conditions. Variants that disrupt the consensus splice site are a relatively common cause of aberrant splicing (PMID: 17576681, 9536098). In summary, the available evidence is currently insufficient to determine the role of this variant in disease. Therefore, it has been classified as a Variant of Uncertain Significance.

Literature cited by the submitters: PubMed 17576681; PubMed 9536098.

NM_001080449.3(DNA2):c.3115-2A>G

Genes: DNA2 (DNA replication helicase/nuclease 2; minus strand), LOC132089842 (Neanderthal introgressed variant-containing enhancer experimental_16635; plus strand). Cytogenetic location: 10q21.3.
Variant type: single nucleotide variant.
Coding change: c.3115-2A>G on transcript NM_001080449.3 (MANE Select); the canonical splice acceptor site of the intron before coding-DNA position 3115, A replaced by G.
Molecular consequence: splice acceptor variant.
Genome position (GRCh38, 1-based): chr10:68,415,109, T>C on the plus strand (A>G on the coding strand, the complement: DNA2 is on the minus strand). VCF-style: chr10-68415109-T-C. GRCh37 (hg19) VCF-style: chr10-70174866-T-C.
Identifiers: ClinVar variation 3690567 (VCV003690567.2).